The following is an entry in ClinVar:

NM_001165963.4(SCN1A):c.4167C>T (p.Asp1389=)

Genes: SCN1A (sodium voltage-gated channel alpha subunit 1; minus strand), LOC102724058 (uncharacterized LOC102724058; plus strand). Cytogenetic location: 2q24.3.
Variant type: single nucleotide variant.
Coding change: c.4167C>T on transcript NM_001165963.4 (MANE Select); coding-DNA position 4167, C replaced by T.
Protein change: p.Asp1389=; no amino-acid change (aspartic acid 1389 retained).
Molecular consequence: synonymous variant. On other transcripts: non-coding transcript variant (1).
Genome position (GRCh38, 1-based): chr2:166,002,589, G>A on the plus strand (C>T on the coding strand, the complement: SCN1A is on the minus strand). VCF-style: chr2-166002589-G-A. GRCh37 (hg19) VCF-style: chr2-166859099-G-A.
Other names: c.4083C>T, p.Asp1361= (NM_001165964.3, NM_001353957.2, NM_001353958.2); c.4167C>T, p.Asp1389= (NM_001202435.3, NM_001353948.2); c.4134C>T, p.Asp1378= (NM_001353949.2, NM_001353950.2, NM_001353951.2 and 2 more transcripts); c.4131C>T, p.Asp1377= (NM_001353954.2, NM_001353955.2); c.4080C>T, p.Asp1360= (NM_001353960.2); c.1725C>T, p.Asp575= (NM_001353961.2).
Identifiers: ClinVar variation 378516 (VCV000378516.14), dbSNP rs376118833, ClinGen allele CA16603937.
Genomic context (GRCh38, chr2:166,002,589, plus strand): 5'-TTTCCATCGAGCAGTCTCATTTCTTTCTATTAGTTTTAGGCAATCAGTATGATTATTCAC[G>A]TCTTCGATGTCAAACCTGTCACCAGTTGTGGTGTTAATACAGTGGTAGAATTTGCCAGCA-3'
Protein context (NP_001159435.1, residues 1379-1399): TTTGDRFDIE[Asp1389=]VNNHTDCLKL

ClinVar aggregate classification (germline): Likely benign. Review status: criteria provided, multiple submitters, no conflicts (2 of 4 stars). 4 submissions from 4 submitters: Likely benign (4). Last evaluated 2025-10-27.

Conditions:
Early-infantile DEE. Also called: Ohtahara syndrome; Early infantile epileptic encephalopathy with suppression bursts; Early infantile epileptic encephalopathy. Identifiers: Orphanet 1934, MedGen C0393706, MONDO:0800491.
Inborn genetic diseases. Identifiers: MedGen C0950123, MeSH D030342.

Allele frequency attached by ClinVar (database versions not stated): gnomAD exomes 0.00002 and 0.00004; TOPMed 0.00002; gnomAD 0.00004; ESP Exome Variant Server 0.00008.
gnomAD v4.1: 60 of 1,611,712 alleles (0.0037%); highest among the groups gnomAD compares: East Asian, 0.094%; no homozygotes.

Submissions (4):

Labcorp Genetics (formerly Invitae), Labcorp
Classification: Likely benign for Early-infantile DEE. Last evaluated: 2025-10-27. Review status: criteria provided, single submitter. Criteria: Invitae Variant Classification Sherloc (09022015). Collection method: clinical testing. Allele origin: germline.

Women's Health and Genetics/Laboratory Corporation of America, LabCorp
Classification: Likely benign. Last evaluated: 2019-08-29. Review status: criteria provided, single submitter. Criteria: LabCorp Variant Classification Summary - May 2015. Collection method: clinical testing. Allele origin: germline.

Ambry Genetics
Classification: Likely benign for Inborn genetic diseases. Last evaluated: 2018-03-07. Review status: criteria provided, single submitter. Criteria: Ambry Variant Classification Scheme 2023. Collection method: clinical testing. Allele origin: germline.

GeneDx
Classification: Likely benign. Last evaluated: 2016-08-09. Review status: criteria provided, single submitter. Criteria: GeneDx Variant Classification (06012015). Collection method: clinical testing. Allele origin: germline. Affected: yes.
Comment: This variant is considered likely benign or benign based on one or more of the following criteria: it is a conservative change, it occurs at a poorly conserved position in the protein, it is predicted to be benign by multiple in silico algorithms, and/or has population frequency not consistent with disease.